The following is an entry in ClinVar:

NM_181552.4(CUX1):c.2173G>A (p.Asp725Asn)

Gene: CUX1 (cut like homeobox 1; plus strand). Cytogenetic location: 7q22.1.
Variant type: single nucleotide variant.
Coding change: c.2173G>A on transcript NM_181552.4 (MANE Select); coding-DNA position 2173, G replaced by A.
Protein change: p.Asp725Asn; replaces aspartic acid 725 with asparagine.
Molecular consequence: missense variant. On other transcripts: intron variant (5).
Genome position (GRCh38, 1-based): chr7:102,201,470, G>A. VCF-style: chr7-102201470-G-A. GRCh37 (hg19) VCF-style: chr7-101844750-G-A.
Other names: c.2206G>A, p.Asp736Asn (NM_001202543.2); c.1255+5867G>A (NM_001913.5); c.1249+5867G>A (NM_181500.4); c.1117+5867G>A (NM_001202545.3); c.1207+5867G>A (NM_001202544.3); c.1138+5867G>A (NM_001202546.3); short protein forms D736N, D725N.
Identifiers: ClinVar variation 2602747 (VCV002602747.8), dbSNP rs782035887, ClinGen allele CA4411004.

ClinVar aggregate classification (germline): Likely benign. Review status: criteria provided, multiple submitters, no conflicts (2 of 4 stars). 2 submissions from 2 submitters: Likely benign (2). Last evaluated 2026-04-01.

Conditions:
Inborn genetic diseases. Identifiers: MedGen C0950123, MeSH D030342.

Allele frequency attached by ClinVar (database versions not stated): ExAC 0.00005; gnomAD 0.00005; TOPMed 0.00006.
gnomAD v4.1: 30 of 1,613,834 alleles (0.0019%); highest among the groups gnomAD compares: East Asian, 0.018%; no homozygotes.

Submissions (2):

CeGaT Center for Human Genetics Tuebingen
Classification: Likely benign. Last evaluated: 2026-04-01. Review status: criteria provided, single submitter. Criteria: CeGaT Center For Human Genetics Tuebingen Variant Classification Criteria Version 2. Collection method: clinical testing. Allele origin: germline. Affected: yes. Observed: 2 variant alleles.
Comment: CUX1: BP4

Ambry Genetics
Classification: Likely benign for Inborn genetic diseases. Last evaluated: 2023-09-13. Review status: criteria provided, single submitter. Criteria: Ambry Variant Classification Scheme 2023. Collection method: clinical testing. Allele origin: germline.